The following is an entry in ClinVar:

ClinVar aggregate classification (germline): Uncertain significance (1 of 4 stars; one submission).

Conditions:
Alzheimer disease 3 (AD3). Also called: ALZHEIMER DISEASE, FAMILIAL, 3. Identifiers: Orphanet 1020, MedGen C1843013, MONDO:0011913, OMIM 607822.
Acne inversa, familial, 3 (ACNINV3). Identifiers: MedGen C3151038, MONDO:0013398, OMIM 613737.
Frontotemporal dementia (FTD1). Also called: WILHELMSEN-LYNCH DISEASE; Frontotemporal lobe dementia (FLDEM); Dementia, frontotemporal, with or without parkinsonism; MULTIPLE SYSTEM TAUOPATHY WITH PRESENILE DEMENTIA; FRONTOTEMPORAL LOBAR DEGENERATION WITH TAU INCLUSIONS; FTLD WITH TAU INCLUSIONS. Identifiers: Orphanet 282, MedGen C0338451, MONDO:0017276, OMIM 600274, HP:0002145.
Pick disease. Also called: LOBAR ATROPHY OF BRAIN; Pick's disease; Pick Disease of the Brain; PICK DISEASE OF BRAIN; DEMENTIA WITH LOBAR ATROPHY AND NEURONAL CYTOPLASMIC INCLUSIONS. Identifiers: Orphanet 282, MedGen C0236642, MONDO:0008243, OMIM 172700.

gnomAD v4.1: 3 of 1,614,140 alleles (0.00019%); highest among the groups gnomAD compares: East Asian, 0.0022%; no homozygotes.

Submission:

Labcorp Genetics (formerly Invitae), Labcorp
Classification: Uncertain significance for Alzheimer disease 3; Pick disease; Acne inversa, familial, 3; Frontotemporal dementia. Last evaluated: 2020-03-18. Review status: criteria provided, single submitter. Criteria: Invitae Variant Classification Sherloc (09022015). Collection method: clinical testing. Allele origin: germline.
Comment: In summary, the available evidence is currently insufficient to determine the role of this variant in disease. Therefore, it has been classified as a Variant of Uncertain Significance. This variant has been reported to have conflicting or insufficient data to determine the effect on PSEN1 protein function (PMID: 27930341). This variant has not been reported in the literature in individuals with PSEN1-related conditions. This variant is not present in population databases (ExAC no frequency). This sequence change replaces isoleucine with valine at codon 414 of the PSEN1 protein (p.Ile414Val). The isoleucine residue is highly conserved and there is a small physicochemical difference between isoleucine and valine.

Literature cited by the submitters: PubMed 27930341.

NM_000021.4(PSEN1):c.1240A>G (p.Ile414Val)

Gene: PSEN1 (presenilin 1; plus strand). Cytogenetic location: 14q24.2.
Variant type: single nucleotide variant.
Coding change: c.1240A>G on transcript NM_000021.4 (MANE Select); coding-DNA position 1240, A replaced by G.
Protein change: p.Ile414Val; replaces isoleucine 414 with valine.
Molecular consequence: missense variant.
Genome position (GRCh38, 1-based): chr14:73,217,236, A>G. VCF-style: chr14-73217236-A-G. GRCh37 (hg19) VCF-style: chr14-73683944-A-G.
Other names: c.1228A>G, p.Ile410Val (NM_007318.3); short protein forms I410V, I414V.
Identifiers: ClinVar variation 1024446 (VCV001024446.9), dbSNP rs777734426, ClinGen allele CA390305921.